The following is an entry in ClinVar:

ClinVar aggregate classification (germline): Conflicting classifications of pathogenicity. Review status: criteria provided, conflicting classifications (1 of 4 stars). 10 submissions from 10 submitters: Uncertain significance (9); Likely benign (1). Last evaluated 2026-10-01.

Conditions:
Idiopathic Pulmonary Fibrosis. Also called: Idiopathic fibrosing alveolitis, chronic form; idiopathic fibrosing alveolitis. Identifiers: Orphanet 2032, MedGen C1800706, MeSH D054990, MONDO:0800504.
Dyskeratosis congenita, autosomal dominant 2. Identifiers: MedGen C3151443, MONDO:0013521, OMIM 613989.
TERT-related disorder. Also called: TERT-related condition; TERT-related disorders.
Dyskeratosis congenita, autosomal dominant 1 (DKCA1). Also called: Dyskeratosis congenita Scoggins type. Identifiers: Orphanet 1775, MedGen C4551974, MONDO:0007485, OMIM 127550. Inheritance: Variable.
Melanoma, cutaneous malignant, susceptibility to, 9. Also called: Cutaneous malignant melanoma 9. Identifiers: Orphanet 618, MedGen C3554574, MONDO:0014056, OMIM 615134.
Pulmonary fibrosis and/or bone marrow failure, Telomere-related, 1. Also called: PULMONARY FIBROSIS AND/OR BONE MARROW FAILURE SYNDROME, TELOMERE-RELATED, 1. Identifiers: Orphanet 88, MedGen C3553617, MONDO:0013878, OMIM 614742.
Acute myeloid leukemia (AML). Also called: Acute myeloid leukemia, adult; AML adult; Acute non-lymphocytic leukemia; Acute granulocytic leukemia; Leukemia, acute myeloid, somatic; Leukemia, acute myelogenous, somatic. Identifiers: Orphanet 519, MedGen C0023467, MeSH D015470, MONDO:0018874, OMIM 601626, HP:0004808. Disease mechanism: Constitutively activated FLT3.
Aplastic anemia. Identifiers: Orphanet 182040, Orphanet 88, MedGen C0002874, MONDO:0015909, OMIM 609135, HP:0001915.
Interstitial lung disease 2 (ILD2). Also called: Familial idiopathic pulmonary fibrosis; FIBROCYSTIC PULMONARY DYSPLASIA; FIBROSING ALVEOLITIS, CRYPTOGENIC. Identifiers: Orphanet 2032, Orphanet 79126, MedGen C5561926, MONDO:0800497, OMIM 178500, MONDO:0800029.
Dyskeratosis congenita. Identifiers: Orphanet 1775, MedGen C0265965, MONDO:0015780.

Allele frequency attached by ClinVar (database versions not stated): gnomAD 0.00005 and 0.00008; gnomAD exomes 0.00008 and 0.00013; TOPMed 0.00008; ExAC 0.00020; 1000 Genomes Project 30x 0.00062; 1000 Genomes Project 0.00080.
gnomAD v4.1: 127 of 1,608,982 alleles (0.0079%); highest among the groups gnomAD compares: South Asian, 0.047%; no homozygotes.

Submissions (10):

St. Jude Molecular Pathology, St. Jude Children's Research Hospital
Classification: Uncertain significance for Dyskeratosis congenita, autosomal dominant 2. Last evaluated: 2026-10-01. Review status: criteria provided, single submitter. Criteria: St. Jude Assertion Criteria 2020. Collection method: clinical testing. Allele origin: germline.
Comment: The TERT c.2287-5G>A intronic change results in a G to A substitution at the -5 position of intron 6 of the TERT gene. Algorithms that predict the impact of sequence changes on splicing indicate that this change may impact splicing but to our knowledge these predictions have not been confirmed by RNA studies. This variant has a maximum subpopulation frequency of 0.05% in gnomAD v2.1.1. This variant has been reported in an individual with congenital kidney disorder, thrombocytopenia, and anemia (PMID: 29483670). In summary, the evidence currently available is insufficient to determine the clinical significance of this variant. It has therefore been classified as of uncertain significance.

Labcorp Genetics (formerly Invitae), Labcorp
Classification: Likely benign for Dyskeratosis congenita, autosomal dominant 2; Idiopathic Pulmonary Fibrosis. Last evaluated: 2026-01-14. Review status: criteria provided, single submitter. Criteria: Invitae Variant Classification Sherloc (09022015). Collection method: clinical testing. Allele origin: germline.

Ambry Genetics
Classification: Uncertain significance for Dyskeratosis congenita. Last evaluated: 2024-07-30. Review status: criteria provided, single submitter. Criteria: Ambry Variant Classification Scheme 2023. Collection method: clinical testing. Allele origin: germline.
Comment: The c.2287-5G>A intronic variant results from a G to A substitution 5 nucleotides upstream from coding exon 7 in the TERT gene. This variant was reported as heterozygous in an individual with features consistent with TERT-related disorder (Norberg A et al. Eur J Hum Genet, 2018 Jun;26:858-867). This nucleotide position is poorly conserved in available vertebrate species. In silico splice site analysis predicts that this alteration will result in the creation or strengthening of a novel splice acceptor site. Based on the available evidence, the clinical significance of this variant remains unclear.

GeneDx
Classification: Uncertain significance. Last evaluated: 2023-11-27. Review status: criteria provided, single submitter. Criteria: GeneDx Variant Classification Process June 2021. Collection method: clinical testing. Allele origin: germline. Affected: yes.
Comment: In silico analysis supports a deleterious effect on splicing; Observed in an individual with congenital kidney disorder, thrombocytopenia, and anemia (PMID: 29483670); This variant is associated with the following publications: (PMID: 29483670)

PreventionGenetics, part of Exact Sciences
Classification: Uncertain significance for TERT-related condition. Last evaluated: 2023-09-13. Review status: criteria provided, single submitter. Criteria: ACMG Guidelines, 2015. Collection method: clinical testing. Allele origin: germline.
Comment: The TERT c.2287-5G>A variant is predicted to interfere with splicing. This variant was reported along with a TERT nonsense change in an individual with a congenital kidney disorder, thrombocytopenia, hypocellular bone marrow, and myelodysplastic syndrome or aplastic anemia (Norberg et al. 2018. PubMed ID: 29483670). This variant is reported in 0.054% of alleles in individuals of South Asian descent in gnomAD, which is likely too high to be a cause of autosomal dominant disease. Although we suspect that this variant may be benign, at this time, the clinical significance of this variant is uncertain due to the absence of conclusive functional and genetic evidence.

Baylor Genetics
Classification: Uncertain significance for Dyskeratosis congenita, autosomal dominant 2. Last evaluated: 2023-06-12. Review status: criteria provided, single submitter. Criteria: ACMG Guidelines, 2015. Collection method: clinical testing. Allele origin: unknown.

Genetic Services Laboratory, University of Chicago
Classification: Uncertain significance. Last evaluated: 2019-04-05. Review status: criteria provided, single submitter. Criteria: ACMG Guidelines, 2015. Collection method: clinical testing. Allele origin: germline. Affected: no.

Fulgent Genetics
Classification: Uncertain significance for Dyskeratosis congenita, autosomal dominant 1; Interstitial lung disease 2; Acute myeloid leukemia; Aplastic anemia; Dyskeratosis congenita, autosomal dominant 2; Pulmonary fibrosis and/or bone marrow failure, Telomere-related, 1; Melanoma, cutaneous malignant, susceptibility to, 9. Last evaluated: 2018-10-31. Review status: criteria provided, single submitter. Criteria: ACMG Guidelines, 2015. Collection method: clinical testing. Allele origin: unknown.

Degerman lab, Umeå University
Classification: Uncertain significance for Pulmonary fibrosis and/or bone marrow failure, Telomere-related, 1. Last evaluated: 2017-11-23. Review status: criteria provided, single submitter. Criteria: ACMG Guidelines, 2015. Collection method: clinical testing. Allele origin: unknown. Affected: yes. Observed: 1 variant allele.

Neuberg Centre For Genomic Medicine, NCGM
Classification: Uncertain significance for Dyskeratosis congenita, autosomal dominant 2. Review status: criteria provided, single submitter. Criteria: ACMG Guidelines, 2015. Collection method: clinical testing. Allele origin: germline. Inheritance: Autosomal recessive inheritance. Affected: yes.
Comment: The splice region variant c.2287-5G>A in TERT gene has not been reported previously as a pathogenic variant nor as a benign variant, to our knowledge. The c.2287-5G>A variant is present with an allele frequency of 0.01% in gnomAD Exomes. This variant has been submitted to the ClinVar database as Likely Benign/ Uncertain Significance multiple submissions. Splice AI predicts this variant to cause splice acceptor loss 0.02 and splice acceptor gain 0.82. For these reasons, this variant has been classified as Variant of Uncertain Significance VUS.

Literature cited by the submitters: PubMed 29483670 (cited by Ambry Genetics and Degerman lab, Umeå University).

NM_198253.3(TERT):c.2287-5G>A

Gene: TERT (telomerase reverse transcriptase; minus strand). Cytogenetic location: 5p15.33.
Variant type: single nucleotide variant.
Coding change: c.2287-5G>A on transcript NM_198253.3 (MANE Select); 5 bases into the intron before coding-DNA position 2287, G replaced by A.
Molecular consequence: intron variant.
Genome position (GRCh38, 1-based): chr5:1,272,285, C>T on the plus strand (G>A on the coding strand, the complement: TERT is on the minus strand). VCF-style: chr5-1272285-C-T. GRCh37 (hg19) VCF-style: chr5-1272400-C-T.
Other names: c.2287-5G>A (NM_001193376.3).
Identifiers: ClinVar variation 446374 (VCV000446374.23), dbSNP rs561426406, ClinGen allele CA3184587.